The following is an entry in ClinVar:

ClinVar aggregate classification (germline): Likely pathogenic (1 of 4 stars; one submission).

Conditions:
Anemia, nonspherocytic hemolytic, due to G6PD deficiency (CNSHA1). Also called: Hemolytic anemia due to G6PD deficiency; Class I glucose-6-phosphate dehydrogenase deficiency; Favism, susceptibility to; ANEMIA, CONGENITAL, NONSPHEROCYTIC HEMOLYTIC, 1. Identifiers: Orphanet 466026, MedGen C2720289, MONDO:0010480, OMIM 300908.

Submission:

Dunham Lab, University of Washington
Classification: Likely pathogenic for Anemia, nonspherocytic hemolytic, due to G6PD deficiency. Last evaluated: 2022-08-12. Review status: criteria provided, single submitter. Criteria: Bayesian ACMG Guidelines, 2018. Collection method: curation. Allele origin: unknown. Affected: yes.
Comment: Decreased actvity in red blood cells (PS3). Not found in gnomAD (PM2). Not found in gnomAD (PM2). Post_P 0.949 (odds of pathogenicity 168.4, Prior_P 0.1).

Literature cited by the submitters: PubMed 21446359.

NM_001360016.2(G6PD):c.1457+7_1458-43del

Gene: G6PD (glucose-6-phosphate dehydrogenase; minus strand). Cytogenetic location: Xq28.
Variant type: Deletion.
Coding change: c.1457+7_1458-43del on transcript NM_001360016.2 (MANE Select); 7 bases into the intron after coding-DNA position 1457 through 43 bases into the intron before coding-DNA position 1458, 49 bases deleted.
Molecular consequence: splice donor variant.
Genome position (GRCh38, 1-based): chrX:154,532,133-154,532,181, 49 bases deleted; deleting any 49 consecutive bases within chrX:154,532,133-154,532,188 gives the same sequence; the c. name uses the placement nearest the transcript's 3' end. GRCh37 (hg19): chrX:153,760,355-153,760,403.
Other names: c.1547+7_1548-43del (NM_000402.4); c.1457+7_1458-43del (NM_001042351.3).
Identifiers: ClinVar variation 1722639 (VCV001722639.2), dbSNP rs2523260813, ClinGen allele CA2580101761.